The following is an entry in ClinVar:

ClinVar aggregate classification (germline): Pathogenic (1 of 4 stars; one submission).

Conditions:
Mucopolysaccharidosis type 6 (MPS6). Also called: MPS 6; Maroteaux Lamy syndrome; ARSB DEFICIENCY; ARYLSULFATASE B DEFICIENCY; N-ACETYLGALACTOSAMINE-4-SULFATASE DEFICIENCY; MPS VI. Identifiers: Orphanet 583, MedGen C0026709, MONDO:0009661, OMIM 253200.

Submission:

Labcorp Genetics (formerly Invitae), Labcorp
Classification: Pathogenic for Mucopolysaccharidosis type 6. Last evaluated: 2023-07-08. Review status: criteria provided, single submitter. Criteria: Invitae Variant Classification Sherloc (09022015). Collection method: clinical testing. Allele origin: unknown.
Comment: This variant is a gross deletion of the genomic region encompassing exon(s) 5 of the ARSB gene. This deletion is out-of-frame, and is expected to create a premature termination codon and result in an absent or disrupted protein product. Loss-of-function variants in ARSB are known to be pathogenic (PMID: 17458871, 22133300). A similar copy number variant has been observed in individual(s) with mucopolysaccharidosis type VI (PMID: 8144552). For these reasons, this variant has been classified as Pathogenic.

Literature cited by the submitters: PubMed 17458871; PubMed 22133300; PubMed 8144552.

NC_000005.9:g.(?_78181387)_(78181670_?)del

Gene: ARSB (arylsulfatase B; minus strand). Cytogenetic location: 5q14.1.
Variant type: Deletion.
Identifiers: ClinVar variation 3246275 (VCV003246275.1).